The following continues an entry in ClinVar:

NM_001165963.4(SCN1A):c.2134C>T (p.Arg712Ter)

Gene: SCN1A. ClinVar aggregate classification (germline): Pathogenic. Pathogenic (16).

Submissions 14 to 18 of 18:

Cytogénomique, Hospices Civils de Lyon
Classification: Pathogenic for Generalized epilepsy with febrile seizures plus, type 2. Review status: criteria provided, single submitter. Criteria: ACMG Guidelines, 2015. Collection method: clinical testing. Allele origin: de novo. Inheritance: Autosomal dominant inheritance. Affected: yes.

Lifecell International Pvt. Ltd
Classification: Pathogenic for Generalized epilepsy with febrile seizures plus, type 2. Review status: criteria provided, single submitter. Criteria: ACMG Guidelines, 2015. Collection method: clinical testing. Allele origin: germline. Inheritance: Autosomal dominant inheritance. Affected: yes. Observed: 1 variant allele, 1 heterozygote.
Comment: A heterozygous nonsense variation in exon 15 of the SCN1A gene (c.2134C>T) that results in a stop codon and premature truncation of the protein at codon 712 (p.Arg712Ter) was detected. The observed variant is not present in both the 1000 Genomes and gnomAD databases. The reference base is conserved across the species and in-silico predictions by CADD is damaging. The gene SCN1A has a low rate of benign loss of function variants as indicated by a high LoF variants Z-Score of 8.42. This variant is predicted to cause loss of normal protein function through protein truncation.This variant has previously been reported for early infantile epileptic encephalopathy by Arafat A et al., 2017. This variant was found in ClinVar (Variant 189886) with a classification of Pathogenic with respect to Early infantile epileptic encephalopathy with suppression bursts and a review status of (2 stars) no assertion criteria provided. Based on the above evidence this variant has been classified as pathogenic according to the ACMG guidelines.

Neuberg Centre For Genomic Medicine, NCGM
Classification: Pathogenic for Generalized epilepsy with febrile seizures plus, type 2. Review status: criteria provided, single submitter. Criteria: ACMG Guidelines, 2015. Collection method: clinical testing. Allele origin: germline. Inheritance: Autosomal dominant inheritance. Affected: yes.
Comment: The c.2134C>T (p.Arg712Ter) stop gained variant in SCN1A gene has been reported previously in patients affected with Dravet syndrome in the de novo state (Wang et al., 2012), and in patients with epileptic encephalopathy (Ohimori et al., 2002). The p.Arg712Ter variant is novel (not in any individuals) in gnomAD Exomes and is novel (not in any individuals) in 1000 Genomes. This variant has been reported to the ClinVar database as Pathogenic. The nucleotide change c.2134C>T in SCN1A is predicted as conserved by GERP++ and PhyloP across 100 vertebrates. This variant is predicted to cause loss of normal protein function through protein truncation. Loss of function variants have been previously reported to be disease causing. For these reasons, this variant has been classified as Pathogenic.

PreventionGenetics, part of Exact Sciences
Classification: Pathogenic for SCN1A-related condition. Last evaluated: 2023-12-01. Review status: no assertion criteria provided. Collection method: clinical testing. Allele origin: germline. Not counted in ClinVar's aggregate classification.
Comment: The SCN1A c.2134C>T variant is predicted to result in premature protein termination (p.Arg712*). This variant has been reported in many individuals with Dravet syndrome, and in several of these individuals, it occurred de novo (see, for example, Sugawara et al. 2002. PubMed ID: 11940708, reported as R701X; Table e-1, Zuberi et al. 2011. PubMed ID: 21248271; E-Table A, Wang et al. 2012. PubMed ID: 23195492). It has also been reported de novo in individuals with epileptic encephalopathy (Table S5, Hamdan et al. 2017. PubMed ID: 29100083; referred to as c.2050C>T, Sun et al. 2021. PubMed ID: 34055682). This variant has not been reported in a large population database, indicating it is rare. Nonsense variants in SCN1A are expected to be pathogenic. This variant is interpreted as pathogenic.

Centre de Biologie Pathologie Génétique, Centre Hospitalier Universitaire de Lille
Classification: Pathogenic for Developmental and epileptic encephalopathy, 1. Last evaluated: 2020-01-01. Review status: no assertion criteria provided. Collection method: clinical testing. Allele origin: germline. Affected: yes. Not counted in ClinVar's aggregate classification.

Literature cited by the submitters: PubMed 17347258 (cited by Labcorp Genetics (formerly Invitae), Labcorp); PubMed 18930999 (cited by Labcorp Genetics (formerly Invitae), Labcorp and Athena Diagnostics); PubMed 11940708 (cited by 4 submitters); PubMed 12083760 (cited by 3 submitters); PubMed 18804930 (cited by Labcorp Genetics (formerly Invitae), Labcorp); PubMed 23195492 (cited by 3 submitters); PubMed 23808377 (cited by 3 submitters); PubMed 26544041 (cited by 3 submitters); PubMed 21248271 (cited by Athena Diagnostics); PubMed 32056211 (cited by Athena Diagnostics and Ambry Genetics); PubMed 29100083 (cited by Athena Diagnostics and Ambry Genetics); PubMed 28387369 (cited by Athena Diagnostics and Ambry Genetics); PubMed 28079314 (cited by Athena Diagnostics and Ambry Genetics); PubMed 32090326 (cited by Athena Diagnostics); PubMed 35571373 (cited by Athena Diagnostics); PubMed 31864146 (cited by Athena Diagnostics); PubMed 20522430 (cited by Athena Diagnostics); PubMed 16458823 (cited by Athena Diagnostics); PubMed 22151702 (cited by Athena Diagnostics).